The following is an entry in ClinVar:

ClinVar aggregate classification (germline): Pathogenic (1 of 4 stars; one submission).

Submission:

Labcorp Genetics (formerly Invitae), Labcorp
Classification: Pathogenic. Last evaluated: 2022-08-01. Review status: criteria provided, single submitter. Criteria: Invitae Variant Classification Sherloc (09022015). Collection method: clinical testing. Allele origin: germline.
Comment: For these reasons, this variant has been classified as Pathogenic. This variant has not been reported in the literature in individuals affected with TBCK-related conditions. This variant is not present in population databases (gnomAD no frequency). This sequence change creates a premature translational stop signal (p.Leu480Argfs*53) in the TBCK gene. It is expected to result in an absent or disrupted protein product. Loss-of-function variants in TBCK are known to be pathogenic (PMID: 27040692, 30103036).

Literature cited by the submitters: PubMed 27040692; PubMed 30103036.

NM_001163435.3(TBCK):c.1439del (p.Leu480fs)

Gene: TBCK (TBC1 domain containing kinase; minus strand). Cytogenetic location: 4q24.
Variant type: Deletion.
Coding change: c.1439del on transcript NM_001163435.3 (MANE Select); coding-DNA position 1439, one base deleted (T; older notation c.1439delT).
Protein change: p.Leu480fs; shifts the reading frame from leucine 480.
Molecular consequence: frameshift variant.
Genome position (GRCh38, 1-based): chr4:106,235,279, A deleted on the plus strand (T on the coding strand, the reverse complement: TBCK is on the minus strand). VCF-style (leftmost placement, unchanged base first): chr4-106235278-CA-C. GRCh37 (hg19) VCF-style: chr4-107156435-CA-C.
Other names: c.1439del, p.Leu480fs (NM_001163436.4); c.1322del, p.Leu441fs (NM_001163437.3); c.923del, p.Leu308fs (NM_001290768.2); c.1250del, p.Leu417fs (NM_033115.5); short protein forms L441fs, L480fs, L308fs, L417fs.
Identifiers: ClinVar variation 2047227 (VCV002047227.4), dbSNP rs2150005919, ClinGen allele CA2580071325.